The following is an entry in ClinVar:

NM_000574.5(CD55):c.820G>A (p.Gly274Arg)

Gene: CD55 (CD55 molecule (Cromer blood group); plus strand). Cytogenetic location: 1q32.2.
Variant type: single nucleotide variant.
Coding change: c.820G>A on transcript NM_000574.5 (MANE Select); coding-DNA position 820, G replaced by A.
Protein change: p.Gly274Arg; replaces glycine 274 with arginine.
Molecular consequence: missense variant. On other transcripts: non-coding transcript variant (1).
Genome position (GRCh38, 1-based): chr1:207,331,263, G>A. VCF-style: chr1-207331263-G-A. GRCh37 (hg19) VCF-style: chr1-207504608-G-A.
Other names: c.820G>A, p.Gly274Arg (NM_001114752.3, NM_001300902.2, NM_001300903.2 and 1 more transcripts); short protein forms G274R.
Identifiers: ClinVar variation 1492363 (VCV001492363.6), dbSNP rs150613728, ClinGen allele CA1368102.

ClinVar aggregate classification (germline): Uncertain significance (1 of 4 stars; one submission).

Allele frequency attached by ClinVar (database versions not stated): gnomAD exomes below 0.00001; ExAC 0.00001; gnomAD 0.00006 and 0.00008; TOPMed 0.00006; ESP Exome Variant Server 0.00023.
gnomAD v4.1: 10 of 1,613,688 alleles (0.00062%); highest among the groups gnomAD compares: African/African-American, 0.012%; no homozygotes.

Submission:

Labcorp Genetics (formerly Invitae), Labcorp
Classification: Uncertain significance. Last evaluated: 2023-08-04. Review status: criteria provided, single submitter. Criteria: Invitae Variant Classification Sherloc (09022015). Collection method: clinical testing. Allele origin: germline.
Comment: This sequence change replaces glycine, which is neutral and non-polar, with arginine, which is basic and polar, at codon 274 of the CD55 protein (p.Gly274Arg). In summary, the available evidence is currently insufficient to determine the role of this variant in disease. Therefore, it has been classified as a Variant of Uncertain Significance. Algorithms developed to predict the effect of sequence changes on RNA splicing suggest that this variant may disrupt the consensus splice site. Advanced modeling of protein sequence and biophysical properties (such as structural, functional, and spatial information, amino acid conservation, physicochemical variation, residue mobility, and thermodynamic stability) performed at Invitae indicates that this missense variant is expected to disrupt CD55 protein function. ClinVar contains an entry for this variant (Variation ID: 1492363). This variant has not been reported in the literature in individuals affected with CD55-related conditions. This variant is present in population databases (rs150613728, gnomAD 0.02%).